The following is an entry in ClinVar:

NM_001972.4(ELANE):c.723G>T (p.Trp241Cys)

Gene: ELANE (elastase, neutrophil expressed; plus strand). Cytogenetic location: 19p13.3.
Variant type: single nucleotide variant.
Coding change: c.723G>T on transcript NM_001972.4 (MANE Select); coding-DNA position 723, G replaced by T.
Protein change: p.Trp241Cys; replaces tryptophan 241 with cysteine.
Molecular consequence: missense variant.
Genome position (GRCh38, 1-based): chr19:856,083, G>T. VCF-style: chr19-856083-G-T. GRCh37 (hg19) VCF-style: chr19-856083-G-T.
Other names: short protein forms W241C.
Identifiers: ClinVar variation 3338707 (VCV003338707.1).

ClinVar aggregate classification (germline): Likely pathogenic (1 of 4 stars; one submission).

Submission:

GeneDx
Classification: Likely pathogenic. Last evaluated: 2023-06-22. Review status: criteria provided, single submitter. Criteria: GeneDx Variant Classification Process June 2021. Collection method: clinical testing. Allele origin: germline. Affected: yes.
Comment: Not observed at significant frequency in large population cohorts (gnomAD); In silico analysis supports that this missense variant has a deleterious effect on protein structure/function; This variant is associated with the following publications: (PMID: 34340247)